The following is an entry in ClinVar:

ClinVar aggregate classification (germline): Uncertain significance (1 of 4 stars; one submission).

Conditions:
Epileptic encephalopathy. Identifiers: MedGen C0543888, HP:0200134.

Submission:

Labcorp Genetics (formerly Invitae), Labcorp
Classification: Uncertain significance for Epileptic encephalopathy. Last evaluated: 2022-11-15. Review status: criteria provided, single submitter. Criteria: Invitae Variant Classification Sherloc (09022015). Collection method: clinical testing. Allele origin: germline.
Comment: This sequence change replaces histidine, which is basic and polar, with arginine, which is basic and polar, at codon 1516 of the FASN protein (p.His1516Arg). In summary, the available evidence is currently insufficient to determine the role of this variant in disease. Therefore, it has been classified as a Variant of Uncertain Significance. Algorithms developed to predict the effect of missense changes on protein structure and function are either unavailable or do not agree on the potential impact of this missense change (SIFT: "Deleterious"; PolyPhen-2: "Probably Damaging"; Align-GVGD: "Class C0"). ClinVar contains an entry for this variant (Variation ID: 1410904). This variant has not been reported in the literature in individuals affected with FASN-related conditions. This variant is not present in population databases (gnomAD no frequency).

NM_004104.5(FASN):c.4547A>G (p.His1516Arg)

Gene: FASN (fatty acid synthase; minus strand). Cytogenetic location: 17q25.3.
Variant type: single nucleotide variant.
Coding change: c.4547A>G on transcript NM_004104.5 (MANE Select); coding-DNA position 4547, A replaced by G.
Protein change: p.His1516Arg; replaces histidine 1516 with arginine.
Molecular consequence: missense variant.
Genome position (GRCh38, 1-based): chr17:82,084,816, T>C on the plus strand (A>G on the coding strand, the complement: FASN is on the minus strand). VCF-style: chr17-82084816-T-C. GRCh37 (hg19) VCF-style: chr17-80042692-T-C.
Other names: short protein forms H1516R.
Identifiers: ClinVar variation 1410904 (VCV001410904.6), dbSNP rs2144788689, ClinGen allele CA401546289.
Genomic context (GRCh38, chr17:82,084,816, plus strand): 5'-GGTGCAGTCTCCCGGGAGGGGCAGGGCAGTGTCGGGGGCTCACCCTCCTCCAGCAGGAAG[T>C]GGCGGAAAGCCCCCCAGGCCCCGTCGCGGTAGACGTTCATCACCAGGTCTCCCTGCAACA-3'
Protein context (NP_004095.4, residues 1506-1526): YRDGAWGAFR[His1516Arg]FLLEEDKPEE